The following is an entry in ClinVar:

ClinVar aggregate classification (germline): Pathogenic (1 of 4 stars; one submission).

Conditions:
Breast-ovarian cancer, familial, susceptibility to, 2 (BROVCA2). Also called: BRCA2 Hereditary Breast and Ovarian Cancer. Identifiers: Orphanet 145, MedGen C2675520, MONDO:0012933, OMIM 612555. Disease mechanism: loss of function.

Submission:

Myriad Genetics, Inc.
Classification: Pathogenic for Breast-ovarian cancer, familial, susceptibility to, 2. Last evaluated: 2026-01-13. Review status: criteria provided, single submitter. Criteria: Myriad Autosomal Dominant, Autosomal Recessive and X-Linked Classification Criteria (2023). Collection method: clinical testing. Allele origin: unknown.
Comment: This variant is considered pathogenic. This variant creates a frameshift predicted to result in premature protein truncation.

NM_000059.4(BRCA2):c.2026dup (p.Cys676fs)

Gene: BRCA2 (BRCA2 DNA repair associated; plus strand). Cytogenetic location: 13q13.1.
Variant type: Duplication.
Coding change: c.2026dup on transcript NM_000059.4 (MANE Select); coding-DNA position 2026, one base duplicated (T; older notation c.2026dupT).
Protein change: p.Cys676fs; shifts the reading frame from cysteine 676.
Molecular consequence: frameshift variant. On other transcripts: non-coding transcript variant (1), intron variant (2).
Genome position (GRCh38, 1-based): chr13:32,336,381, T duplicated. VCF-style (leftmost placement, unchanged base first): chr13-32336380-A-AT. GRCh37 (hg19) VCF-style: chr13-32910517-A-AT.
Other names: c.2026dup, p.Cys676fs (NM_001406719.1, NM_001406720.1, NM_001432077.1); c.1909+2994dup (NM_001406721.1); c.424+5351dup (NM_001406722.1); short protein forms C676fs.
Identifiers: ClinVar variation 4856716 (VCV004856716.1).
Genomic context (GRCh38, chr13:32,336,380, plus strand): 5'-AACTTTGTCCTTAACTAGCTCTTTTGGGACAATTCTGAGGAAATGTTCTAGAAATGAAAC[A>AT]TGTTCTAATAATACAGTAATCTCTCAGGATCTTGATTATAAAGAAGCAAAATGTAATAAG-3'